The following is an entry in ClinVar:

ClinVar aggregate classification (germline): Conflicting classifications of pathogenicity. Review status: criteria provided, conflicting classifications (1 of 4 stars). 5 submissions from 5 submitters: Uncertain significance (4); Likely benign (1). Last evaluated 2025-12-10.

Conditions:
Cardiovascular phenotype. Identifiers: MedGen CN230736.
Ehlers-Danlos syndrome (EDS). Identifiers: Orphanet 98249, MedGen C0013720, MONDO:0020066.
TNXB-related disorder. Also called: TNXB-related condition.

Allele frequency attached by ClinVar (database versions not stated): ExAC 0.00008; ESP Exome Variant Server 0.00008; gnomAD exomes 0.00009; TOPMed 0.00009; gnomAD 0.00015 and 0.00016.
gnomAD v4.1: 172 of 1,613,840 alleles (0.011%); highest among the groups gnomAD compares: Non-Finnish European, 0.014%; no homozygotes.

Submissions (5):

Women's Health and Genetics/Laboratory Corporation of America, LabCorp
Classification: Uncertain significance. Last evaluated: 2025-12-10. Review status: criteria provided, single submitter. Criteria: LabCorp Variant Classification Summary - May 2015. Collection method: clinical testing. Allele origin: germline.
Comment: Variant summary: TNXB c.5965C>T (p.Arg1989Cys) results in a non-conservative amino acid change in the encoded protein sequence. Algorithms developed to predict the effect of missense changes on protein structure and function are either unavailable or do not agree on the potential impact of this missense change. The variant allele was found at a frequency of 8.8e-05 in 248838 control chromosomes. This frequency is not significantly higher than estimated for disease-causing variants in TNXB, allowing no conclusion about variant significance. To our knowledge, no occurrence of c.5965C>T in individuals affected with TNXB-related conditions and no experimental evidence demonstrating its impact on protein function have been reported. ClinVar contains an entry for this variant (Variation ID: 1206432). Based on the evidence outlined above, the variant was classified as uncertain significance.

PreventionGenetics, part of Exact Sciences
Classification: Uncertain significance for TNXB-related condition. Last evaluated: 2025-08-15. Review status: criteria provided, single submitter. Criteria: ACMG Guidelines, 2015. Collection method: clinical testing. Allele origin: germline.
Comment: The TNXB c.5965C>T variant is predicted to result in the amino acid substitution p.Arg1989Cys. To our knowledge, this variant has not been reported in the literature. This variant is reported in 0.023% of alleles in individuals of European (Non-Finnish) descent in gnomAD. At this time, the clinical significance of this variant is uncertain due to the absence of conclusive functional and genetic evidence.

Ambry Genetics
Classification: Likely benign for Cardiovascular phenotype. Last evaluated: 2024-07-10. Review status: criteria provided, single submitter. Criteria: Ambry Variant Classification Scheme 2023. Collection method: clinical testing. Allele origin: germline.

GeneDx
Classification: Uncertain significance. Last evaluated: 2024-04-02. Review status: criteria provided, single submitter. Criteria: GeneDx Variant Classification Process June 2021. Collection method: clinical testing. Allele origin: germline. Affected: yes.
Comment: Has not been previously published as pathogenic or benign to our knowledge; In silico analysis supports that this missense variant has a deleterious effect on protein structure/function

Genome Diagnostics Laboratory, The Hospital for Sick Children
Classification: Uncertain significance for Ehlers-Danlos syndrome. Last evaluated: 2020-01-09. Review status: criteria provided, single submitter. Criteria: ACMG Guidelines, 2015. Collection method: clinical testing. Allele origin: germline.

NM_001365276.2(TNXB):c.5965C>T (p.Arg1989Cys)

Gene: TNXB (tenascin XB; minus strand). Cytogenetic location: 6p21.33.
Variant type: single nucleotide variant.
Coding change: c.5965C>T on transcript NM_001365276.2 (MANE Select); coding-DNA position 5965, C replaced by T.
Protein change: p.Arg1989Cys; replaces arginine 1989 with cysteine.
Molecular consequence: missense variant.
Genome position (GRCh38, 1-based): chr6:32,068,645, G>A on the plus strand (C>T on the coding strand, the complement: TNXB is on the minus strand). VCF-style: chr6-32068645-G-A. GRCh37 (hg19) VCF-style: chr6-32036422-G-A.
Other names: c.5965C>T, p.Arg1989Cys (NM_019105.8); short protein forms R1989C.
Identifiers: ClinVar variation 1206432 (VCV001206432.12), dbSNP rs371681556, ClinGen allele CA3734562.